The following is an entry in ClinVar:

NM_001171613.2(PREPL):c.-49+1784A>T

Gene: PREPL (prolyl endopeptidase like; minus strand). Cytogenetic location: 2p21.
Variant type: single nucleotide variant.
Coding change: c.-49+1784A>T on transcript NM_001171613.2 (MANE Select); 1784 bases into the intron after 49 bases upstream of the start codon, A replaced by T.
Molecular consequence: intron variant. On other transcripts: missense variant (7).
Genome position (GRCh38, 1-based): chr2:44,359,596, T>A on the plus strand (A>T on the coding strand, the complement: PREPL is on the minus strand). VCF-style: chr2-44359596-T-A. GRCh37 (hg19) VCF-style: chr2-44586735-T-A.
Other names: c.120A>T, p.Arg40Ser (NM_006036.4, NM_001042385.2, NM_001042386.2 and 4 more transcripts); c.-49+1928A>T (NM_001171617.1); c.-49+1821A>T (NM_001374277.1); short protein forms R40S.
Identifiers: ClinVar variation 662946 (VCV000662946.8), dbSNP rs773880492, ClinGen allele CA346694939.

ClinVar aggregate classification (germline): Uncertain significance (1 of 4 stars; one submission).

Conditions:
Myasthenic syndrome, congenital, 22 (CMS22). Also called: PREPL DEFICIENCY. Identifiers: MedGen C4479088, MONDO:0044299, OMIM 616224.

Submission:

Labcorp Genetics (formerly Invitae), Labcorp
Classification: Uncertain significance for Myasthenic syndrome, congenital, 22. Last evaluated: 2022-07-26. Review status: criteria provided, single submitter. Criteria: Invitae Variant Classification Sherloc (09022015). Collection method: clinical testing. Allele origin: germline.
Comment: In summary, the available evidence is currently insufficient to determine the role of this variant in disease. Therefore, it has been classified as a Variant of Uncertain Significance. Algorithms developed to predict the effect of missense changes on protein structure and function (SIFT, PolyPhen-2, Align-GVGD) all suggest that this variant is likely to be tolerated. ClinVar contains an entry for this variant (Variation ID: 662946). This variant has not been reported in the literature in individuals affected with PREPL-related conditions. This variant is not present in population databases (gnomAD no frequency). This sequence change replaces arginine, which is basic and polar, with serine, which is neutral and polar, at codon 40 of the PREPL protein (p.Arg40Ser).